The following is an entry in ClinVar:

ClinVar aggregate classification (germline): Uncertain significance (1 of 4 stars; one submission).

Submission:

Labcorp Genetics (formerly Invitae), Labcorp
Classification: Uncertain significance. Last evaluated: 2023-03-31. Review status: criteria provided, single submitter. Criteria: Invitae Variant Classification Sherloc (09022015). Collection method: clinical testing. Allele origin: germline.
Comment: In summary, the available evidence is currently insufficient to determine the role of this variant in disease. Therefore, it has been classified as a Variant of Uncertain Significance. An algorithm developed to predict the effect of missense changes on protein structure and function (PolyPhen-2) suggests that this variant is likely to be tolerated. This variant has not been reported in the literature in individuals affected with CTNNA1-related conditions. This variant is not present in population databases (gnomAD no frequency). This sequence change replaces valine, which is neutral and non-polar, with leucine, which is neutral and non-polar, at codon 184 of the CTNNA1 protein (p.Val184Leu).

NM_001903.5(CTNNA1):c.550G>T (p.Val184Leu)

Gene: CTNNA1 (catenin alpha 1; plus strand). Cytogenetic location: 5q31.2.
Variant type: single nucleotide variant.
Coding change: c.550G>T on transcript NM_001903.5 (MANE Select); coding-DNA position 550, G replaced by T.
Protein change: p.Val184Leu; replaces valine 184 with leucine.
Molecular consequence: missense variant.
Genome position (GRCh38, 1-based): chr5:138,812,264, G>T. VCF-style: chr5-138812264-G-T. GRCh37 (hg19) VCF-style: chr5-138147953-G-T.
Other names: c.550G>T, p.Val184Leu (NM_001290307.3, NM_001323982.2, NM_001323983.1 and 3 more transcripts); c.241G>T, p.Val81Leu (NM_001290309.3); c.181G>T, p.Val61Leu (NM_001290310.3); short protein forms V61L, V81L, V184L.
Identifiers: ClinVar variation 2851128 (VCV002851128.3), dbSNP rs2532349080, ClinGen allele CA361125453.